The following is an entry in ClinVar:

ClinVar aggregate classification (germline): Likely pathogenic. Review status: criteria provided, multiple submitters, no conflicts (2 of 4 stars). 2 submissions from 2 submitters: Likely pathogenic (2). Last evaluated 2024-02-02.

Conditions:
Methylmalonic aciduria and homocystinuria type cblD (MAHCD). Also called: Methylmalonic aciduria with homocystinuria cblD type; METHYLMALONIC ACIDEMIA, cblH TYPE. Identifiers: Orphanet 622, Orphanet 79283, MedGen C1848552, MONDO:0010185, OMIM 277410.

Submissions (2):

Labcorp Genetics (formerly Invitae), Labcorp
Classification: Likely pathogenic for Methylmalonic aciduria and homocystinuria type cblD. Last evaluated: 2024-02-02. Review status: criteria provided, single submitter. Criteria: Invitae Variant Classification Sherloc (09022015). Collection method: clinical testing. Allele origin: germline.
Comment: This sequence change affects an acceptor splice site in intron 6 of the MMADHC gene. It is expected to disrupt RNA splicing. Variants that disrupt the donor or acceptor splice site typically lead to a loss of protein function (PMID: 16199547), and loss-of-function variants in MMADHC are known to be pathogenic (PMID: 18385497). This variant is not present in population databases (gnomAD no frequency). This variant has not been reported in the literature in individuals affected with MMADHC-related conditions. Algorithms developed to predict the effect of sequence changes on RNA splicing suggest that this variant may disrupt the consensus splice site. In summary, the currently available evidence indicates that the variant is pathogenic, but additional data are needed to prove that conclusively. Therefore, this variant has been classified as Likely Pathogenic.

Baylor Genetics
Classification: Likely pathogenic for Methylmalonic aciduria and homocystinuria type cblD. Last evaluated: 2023-09-30. Review status: criteria provided, single submitter. Criteria: ACMG Guidelines, 2015. Collection method: clinical testing. Allele origin: unknown.

Literature cited by the submitters: PubMed 16199547 (cited by Labcorp Genetics (formerly Invitae), Labcorp); PubMed 18385497 (cited by Labcorp Genetics (formerly Invitae), Labcorp).

NM_015702.3(MMADHC):c.610-1G>A

Gene: MMADHC (metabolism of cobalamin associated D; minus strand). Cytogenetic location: 2q23.2.
Variant type: single nucleotide variant.
Coding change: c.610-1G>A on transcript NM_015702.3 (MANE Select); the canonical splice acceptor site of the intron before coding-DNA position 610, G replaced by A.
Molecular consequence: splice acceptor variant.
Genome position (GRCh38, 1-based): chr2:149,571,172, C>T on the plus strand (G>A on the coding strand, the complement: MMADHC is on the minus strand). VCF-style: chr2-149571172-C-T. GRCh37 (hg19) VCF-style: chr2-150427686-C-T.
Identifiers: ClinVar variation 2676635 (VCV002676635.3), dbSNP rs2467634733, ClinGen allele CA348869680.
Genomic context (GRCh38, chr2:149,571,172, plus strand): 5'-GTCAGCCCAATAACCCTCAGCTCGAAGAGCATAGCAAATTTCCTTAGCACCATTGATGAA[C>T]TGCAATGGAAGTCACAAATAATATGCTTAAGATAGCATTACTAGAGATTGTTTTATTTTT-3'